The following is an entry in ClinVar:

NM_000051.4(ATM):c.6452+20T>G

Genes: ATM (ATM serine/threonine kinase; plus strand), C11orf65 (chromosome 11 open reading frame 65; minus strand). Cytogenetic location: 11q22.3.
Variant type: single nucleotide variant.
Coding change: c.6452+20T>G on transcript NM_000051.4 (MANE Select); 20 bases into the intron after coding-DNA position 6452, T replaced by G.
Molecular consequence: intron variant.
Genome position (GRCh38, 1-based): chr11:108,320,078, T>G. VCF-style: chr11-108320078-T-G. GRCh37 (hg19) VCF-style: chr11-108190805-T-G.
Other names: c.6452+20T>G (NM_001351834.2); c.641-11007A>C (NM_001330368.2); c.*39-11007A>C (NM_001351110.2).
Identifiers: ClinVar variation 2020388 (VCV002020388.4), dbSNP rs2136223571, ClinGen allele CA2580083443.

ClinVar aggregate classification (germline): Uncertain significance (1 of 4 stars; one submission).

Conditions:
Ataxia-telangiectasia syndrome (AT). Also called: Ataxia-telangiectasia, complementation group D; AT, COMPLEMENTATION GROUP C; ATAXIA-TELANGIECTASIA, COMPLEMENTATION GROUP A; ATAXIA-TELANGIECTASIA, FRESNO VARIANT; Ataxia-telangiectasia, complementation group E; LOUIS-BAR SYNDROME. Identifiers: Orphanet 100, MedGen C0004135, MONDO:0008840, OMIM 208900.

Submission:

Labcorp Genetics (formerly Invitae), Labcorp
Classification: Uncertain significance for Ataxia-telangiectasia syndrome. Last evaluated: 2022-07-29. Review status: criteria provided, single submitter. Criteria: Invitae Variant Classification Sherloc (09022015). Collection method: clinical testing. Allele origin: germline.
Comment: Algorithms developed to predict the effect of sequence changes on RNA splicing suggest that this variant may create or strengthen a splice site. In summary, the available evidence is currently insufficient to determine the role of this variant in disease. Therefore, it has been classified as a Variant of Uncertain Significance. This variant has not been reported in the literature in individuals affected with ATM-related conditions. This variant is not present in population databases (gnomAD no frequency). This sequence change falls in intron 44 of the ATM gene. It does not directly change the encoded amino acid sequence of the ATM protein.